The following is an entry in ClinVar:

NM_020163.3(SEMA3G):c.2340G>A (p.Glu780=)

Gene: SEMA3G (semaphorin 3G; minus strand). Cytogenetic location: 3p21.1.
Variant type: single nucleotide variant.
Coding change: c.2340G>A on transcript NM_020163.3 (MANE Select); coding-DNA position 2340, G replaced by A.
Protein change: p.Glu780=; no amino-acid change (glutamic acid 780 retained).
Molecular consequence: synonymous variant.
Genome position (GRCh38, 1-based): chr3:52,435,612, C>T on the plus strand (G>A on the coding strand, the complement: SEMA3G is on the minus strand). VCF-style: chr3-52435612-C-T. GRCh37 (hg19) VCF-style: chr3-52469628-C-T.
Identifiers: ClinVar variation 3057138 (VCV003057138.2), dbSNP rs61729091, ClinGen allele CA2437656.

ClinVar aggregate classification (germline): Benign (0 of 4 stars; one submission).

Conditions:
SEMA3G-related disorder. Also called: SEMA3G-related condition.

Allele frequency attached by ClinVar (database versions not stated): 1000 Genomes Project 0.01378; 1000 Genomes Project 30x 0.01390; TOPMed 0.03312; ESP Exome Variant Server 0.03512; gnomAD 0.03677; ExAC 0.03868.
gnomAD v4.1: 75,499 of 1,610,842 alleles (4.7%); highest among the groups gnomAD compares: Non-Finnish European, 5.4%; 2,059 homozygotes.

Submission:

PreventionGenetics, part of Exact Sciences
Classification: Benign for SEMA3G-related condition. Last evaluated: 2022-04-11. Review status: no assertion criteria provided. Collection method: clinical testing. Allele origin: germline.
Comment: This variant is classified as benign based on ACMG/AMP sequence variant interpretation guidelines (Richards et al. 2015 PMID: 25741868, with internal and published modifications).